The following is an entry in ClinVar:

ClinVar aggregate classification (germline): Likely benign. Review status: reviewed by expert panel (3 of 4 stars). 2 submissions from 2 submitters: Likely benign (1). 1 of the submissions does not count toward it. Last evaluated 2025-02-25.

Conditions:
Hereditary thrombocytopenia and hematological cancer predisposition syndrome associated with RUNX1. Also called: Familial Platelet Disorder with Propensity to Acute Myelogenous Leukemia; Familial thrombocytopenia with propensity to acute myelogenous leukemia; PLATELET DISORDER, ASPIRIN-LIKE; RUNX1 Familial Platelet Disorder with Associated Myeloid Malignancies. Identifiers: Orphanet 71290, MedGen C1832388, MeSH C563324, MONDO:0100083, OMIM 601399.
Hereditary thrombocytopenia and hematologic cancer predisposition syndrome. Identifiers: Orphanet 71290, MedGen CN281654, MONDO:0011071.

gnomAD v4.1: 4 of 1,582,002 alleles (0.00025%); highest among the groups gnomAD compares: Admixed American, 0.0017%; no homozygotes.

Submissions (2):

ClinGen Myeloid Malignancy Variant Curation Expert Panel
Classification: Likely benign for Hereditary thrombocytopenia and hematologic cancer predisposition syndrome. Last evaluated: 2025-02-25. Review status: reviewed by expert panel. Criteria: ClinGen MyeloMalig ACMG Specifications v2. Collection method: curation. Allele origin: germline. Inheritance: Autosomal dominant inheritance.
Comment: NM_001754.5(RUNX1):c.614-20C>G is an intronic variant. This variant has a SpliceAI score ≤ 0.20 (0.00) (BP4) and evolutionary conservation algorithms predict the site as not being conserved (PhyloP score ≤ 2.0 (-0.377)(BP7). In summary, this variant meets the criteria to be classified as likely benign. ACMG/AMP criteria applied, as specified by the Myeloid Malignancy Variant Curation Expert Panel for RUNX1: BP4, BP7.

Labcorp Genetics (formerly Invitae), Labcorp
Classification: Likely benign for Hereditary thrombocytopenia and hematological cancer predisposition syndrome associated with RUNX1. Last evaluated: 2024-05-23. Review status: criteria provided, single submitter. Criteria: Invitae Variant Classification Sherloc (09022015). Collection method: clinical testing. Allele origin: germline. Not counted in ClinVar's aggregate classification.

NM_001754.5(RUNX1):c.614-20C>G

Gene: RUNX1 (RUNX family transcription factor 1; minus strand). Cytogenetic location: 21q22.12.
Variant type: single nucleotide variant.
Coding change: c.614-20C>G on transcript NM_001754.5 (MANE Select); 20 bases into the intron before coding-DNA position 614, C replaced by G.
Molecular consequence: intron variant.
Genome position (GRCh38, 1-based): chr21:34,834,621, G>C on the plus strand (C>G on the coding strand, the complement: RUNX1 is on the minus strand). VCF-style: chr21-34834621-G-C. GRCh37 (hg19) VCF-style: chr21-36206918-G-C.
Other names: c.533-20C>G (NM_001001890.3, NM_001122607.2).
Identifiers: ClinVar variation 2120814 (VCV002120814.5), dbSNP rs767418895, ClinGen allele CA638054529.
Genomic context (GRCh38, chr21:34,834,621, plus strand): 5'-GCTCCCGGGCTTGGTCTGATCATCTAGTTTCTGCCGATGTCCTATTGTGGGGAGCAGGGA[G>C]GGGAGGGGATGGGGGGAGGGAAGGAGGGAGGGAAGAGATCAGAAAAAGTATTGTGGATTT-3'